The following is an entry in ClinVar:

NM_152269.5(MTRFR):c.-28-261G>T

Gene: MTRFR (mitochondrial translation release factor in rescue; plus strand). Cytogenetic location: 12q24.31.
Variant type: single nucleotide variant.
Coding change: c.-28-261G>T on transcript NM_152269.5 (MANE Select); 261 bases into the intron before 28 bases upstream of the start codon, G replaced by T.
Molecular consequence: intron variant.
Genome position (GRCh38, 1-based): chr12:123,253,386, G>T. VCF-style: chr12-123253386-G-T. GRCh37 (hg19) VCF-style: chr12-123737933-G-T.
Other names: c.-28-261G>T (NM_001194995.1, NM_001143905.2).
Identifiers: ClinVar variation 680559 (VCV000680559.2), dbSNP rs76582395, ClinGen allele CA13757351.

ClinVar aggregate classification (germline): Benign. Review status: criteria provided, multiple submitters, no conflicts (2 of 4 stars). 2 submissions from 2 submitters: Benign (2). Last evaluated 2018-06-14.

Allele frequency attached by ClinVar (database versions not stated): 1000 Genomes Project 30x 0.02374; 1000 Genomes Project 0.02416; TOPMed 0.06343; gnomAD 0.07353 and 0.07651; gnomAD exomes 0.08503.
gnomAD v4.1: 32,088 of 398,792 alleles (8%); highest among the groups gnomAD compares: Non-Finnish European, 12%; 1,927 homozygotes.

Submissions (2):

GeneDx
Classification: Benign. Last evaluated: 2018-06-14. Review status: criteria provided, single submitter. Criteria: GeneDx Variant Classification (06012015). Collection method: clinical testing. Allele origin: germline. Affected: yes.
Comment: This variant is considered likely benign or benign based on one or more of the following criteria: it is a conservative change, it occurs at a poorly conserved position in the protein, it is predicted to be benign by multiple in silico algorithms, and/or has population frequency not consistent with disease.

Breakthrough Genomics
Classification: Benign. Review status: criteria provided, single submitter. Criteria: ACMG Guidelines, 2015. Collection method: not provided. Allele origin: germline. Inheritance: Autosomal recessive inheritance. Affected: yes.